The following is an entry in ClinVar:

NM_021224.6(ZNF462):c.6013-143T>C

Gene: ZNF462 (zinc finger protein 462; plus strand). Cytogenetic location: 9q31.2.
Variant type: single nucleotide variant.
Coding change: c.6013-143T>C on transcript NM_021224.6 (MANE Select); 143 bases into the intron before coding-DNA position 6013, T replaced by C.
Molecular consequence: intron variant.
Genome position (GRCh38, 1-based): chr9:106,932,303, T>C. VCF-style: chr9-106932303-T-C. GRCh37 (hg19) VCF-style: chr9-109694584-T-C.
Other names: c.3418-143T>C (NM_001347997.2).
Identifiers: ClinVar variation 1676127 (VCV001676127.34), dbSNP rs41277827, ClinGen allele CA5172104.

ClinVar aggregate classification (germline): Benign/Likely benign. Review status: criteria provided, multiple submitters, no conflicts (2 of 4 stars). 2 submissions from 2 submitters: Benign (1); Likely benign (1). Last evaluated 2026-09-01.

Allele frequency attached by ClinVar (database versions not stated): 1000 Genomes Project 0.00319; 1000 Genomes Project 30x 0.00375; TOPMed 0.00742; ExAC 0.00767; gnomAD exomes 0.00774 and 0.01175; gnomAD 0.00858 and 0.00903.
gnomAD v4.1: 17,623 of 1,552,654 alleles (1.1%); highest among the groups gnomAD compares: Non-Finnish European, 1.4%; 131 homozygotes.

Submissions (2):

CeGaT Center for Human Genetics Tuebingen
Classification: Benign. Last evaluated: 2026-09-01. Review status: criteria provided, single submitter. Criteria: CeGaT Center For Human Genetics Tuebingen Variant Classification Criteria Version 2. Collection method: clinical testing. Allele origin: germline. Affected: yes. Observed: 36 variant alleles.
Comment: ZNF462: BP4, BS1, BS2

Breakthrough Genomics
Classification: Likely benign. Review status: criteria provided, single submitter. Criteria: ACMG Guidelines, 2015. Collection method: not provided. Allele origin: germline. Inheritance: Autosomal dominant inheritance. Affected: yes.